The following is an entry in ClinVar:

NM_020949.3(SLC7A14):c.1648C>T (p.Leu550Phe)

Genes: SLC7A14 (solute carrier family 7 member 14; minus strand), SLC7A14-AS1 (SLC7A14 antisense RNA 1; plus strand). Cytogenetic location: 3q26.2.
Variant type: single nucleotide variant.
Coding change: c.1648C>T on transcript NM_020949.3 (MANE Select); coding-DNA position 1648, C replaced by T.
Protein change: p.Leu550Phe; replaces leucine 550 with phenylalanine.
Molecular consequence: missense variant.
Genome position (GRCh38, 1-based): chr3:170,480,634, G>A on the plus strand (C>T on the coding strand, the complement: SLC7A14 is on the minus strand). VCF-style: chr3-170480634-G-A. GRCh37 (hg19) VCF-style: chr3-170198423-G-A.
Other names: c.1648C>T (NM_020949.2); short protein forms L550F.
Identifiers: ClinVar variation 1412529 (VCV001412529.7), dbSNP rs777380110, ClinGen allele CA2701592.

ClinVar aggregate classification (germline): Uncertain significance. Review status: criteria provided, multiple submitters, no conflicts (2 of 4 stars). 2 submissions from 2 submitters: Uncertain significance (2). Last evaluated 2023-06-22.

Allele frequency attached by ClinVar (database versions not stated): ExAC 0.00001; gnomAD 0.00002; TOPMed 0.00003; gnomAD exomes below 0.00001.
gnomAD v4.1: 6 of 1,614,134 alleles (0.00037%); highest among the groups gnomAD compares: African/African-American, 0.0067%; no homozygotes.

Submissions (2):

Ambry Genetics
Classification: Uncertain significance. Last evaluated: 2023-06-22. Review status: criteria provided, single submitter. Criteria: Ambry Variant Classification Scheme 2023. Collection method: clinical testing. Allele origin: germline.

Labcorp Genetics (formerly Invitae), Labcorp
Classification: Uncertain significance. Last evaluated: 2022-07-19. Review status: criteria provided, single submitter. Criteria: Invitae Variant Classification Sherloc (09022015). Collection method: clinical testing. Allele origin: germline.
Comment: This sequence change replaces leucine, which is neutral and non-polar, with phenylalanine, which is neutral and non-polar, at codon 550 of the SLC7A14 protein (p.Leu550Phe). This variant is present in population databases (rs777380110, gnomAD 0.008%). This variant has not been reported in the literature in individuals affected with SLC7A14-related conditions. ClinVar contains an entry for this variant (Variation ID: 1412529). Algorithms developed to predict the effect of missense changes on protein structure and function are either unavailable or do not agree on the potential impact of this missense change (SIFT: "Tolerated"; PolyPhen-2: "Possibly Damaging"; Align-GVGD: "Class C0"). In summary, the available evidence is currently insufficient to determine the role of this variant in disease. Therefore, it has been classified as a Variant of Uncertain Significance.